The following is an entry in ClinVar:

NM_000551.4(VHL):c.431G>A (p.Gly144Glu)

Genes: VHL (von Hippel-Lindau tumor suppressor; plus strand), LOC107303340 (3p25 von Hippel-Lindau tumor suppressor, E3 ubiquitin protein ligase Alu-mediated recombination region; plus strand). Cytogenetic location: 3p25.3.
Variant type: single nucleotide variant.
Coding change: c.431G>A on transcript NM_000551.4 (MANE Select); coding-DNA position 431, G replaced by A.
Protein change: p.Gly144Glu; replaces glycine 144 with glutamic acid.
Molecular consequence: missense variant. On other transcripts: intron variant (2).
Genome position (GRCh38, 1-based): chr3:10,146,604, G>A. VCF-style: chr3-10146604-G-A. GRCh37 (hg19) VCF-style: chr3-10188288-G-A.
Other names: c.*18-3183G>A (NM_001354723.2); c.341-3183G>A (NM_198156.3); c.431G>A (NM_000551.3); short protein forms G144E.
Identifiers: ClinVar variation 1055805 (VCV001055805.13), dbSNP rs2125128440, ClinGen allele CA351754206.

ClinVar aggregate classification (germline): Uncertain significance. Review status: criteria provided, multiple submitters, no conflicts (2 of 4 stars). 3 submissions from 3 submitters: Uncertain significance (3). Last evaluated 2026-03-27.

Conditions:
Hereditary cancer-predisposing syndrome. Also called: Hereditary neoplastic syndrome; Neoplastic Syndromes, Hereditary; Tumor predisposition; Hereditary Cancer Syndrome. Identifiers: Orphanet 140162, MedGen C0027672, MeSH D009386, MONDO:0015356.
Von Hippel-Lindau syndrome (VHLS). Also called: Von Hippel-Lindau; von Hippel–Lindau syndrome; VHL syndrome. Identifiers: Orphanet 892, MedGen C0019562, MONDO:0008667, OMIM 193300. Disease mechanism: loss of function.
Chuvash polycythemia. Also called: POLYCYTHEMIA, VHL-DEPENDENT. Identifiers: Orphanet 238557, MedGen C1837915, MONDO:0009892, OMIM 263400.

Allele frequency attached by ClinVar (database versions not stated): gnomAD exomes below 0.00001.
gnomAD v4.1: 3 of 1,614,002 alleles (0.00019%); highest among the groups gnomAD compares: Non-Finnish European, 0.00025%; no homozygotes.

Submissions (3):

Ambry Genetics
Classification: Uncertain significance for Hereditary cancer-predisposing syndrome. Last evaluated: 2026-03-27. Review status: criteria provided, single submitter. Criteria: Ambry Variant Classification Scheme 2023. Collection method: clinical testing. Allele origin: germline.
Comment: The p.G144E variant (also known as c.431G>A), located in coding exon 2 of the VHL gene, results from a G to A substitution at nucleotide position 431. The glycine at codon 144 is replaced by glutamic acid, an amino acid with similar properties. This variant was determined to be functionally neutral in one saturation genome editing assay (Buckley M et al. Nat Genet, 2024 Jul;56:1446-1455). This amino acid position is highly conserved in available vertebrate species. In addition, this alteration is predicted to be deleterious by in silico analysis. Based on the available evidence, the clinical significance of this variant remains unclear.

Labcorp Genetics (formerly Invitae), Labcorp
Classification: Uncertain significance for Von Hippel-Lindau syndrome; Chuvash polycythemia. Last evaluated: 2025-01-22. Review status: criteria provided, single submitter. Criteria: Invitae Variant Classification Sherloc (09022015). Collection method: clinical testing. Allele origin: germline.
Comment: This sequence change replaces glycine, which is neutral and non-polar, with glutamic acid, which is acidic and polar, at codon 144 of the VHL protein (p.Gly144Glu). This variant is not present in population databases (gnomAD no frequency). This missense change has been observed in individual(s) with pheochromocytoma (PMID: 9663592). ClinVar contains an entry for this variant (Variation ID: 1055805). Invitae Evidence Modeling of protein sequence and biophysical properties (such as structural, functional, and spatial information, amino acid conservation, physicochemical variation, residue mobility, and thermodynamic stability) indicates that this missense variant is expected to disrupt VHL protein function with a positive predictive value of 95%. In summary, the available evidence is currently insufficient to determine the role of this variant in disease. Therefore, it has been classified as a Variant of Uncertain Significance.

Baylor Genetics
Classification: Uncertain significance for Chuvash polycythemia. Last evaluated: 2023-11-17. Review status: criteria provided, single submitter. Criteria: ACMG Guidelines, 2015. Collection method: clinical testing. Allele origin: unknown.

Literature cited by the submitters: PubMed 38969834 (cited by Ambry Genetics); PubMed 9663592 (cited by Ambry Genetics and Labcorp Genetics (formerly Invitae), Labcorp).